The following is an entry in ClinVar:

ClinVar aggregate classification (germline): Uncertain significance (1 of 4 stars; one submission).

Conditions:
Hereditary cancer-predisposing syndrome. Also called: Tumor predisposition; Neoplastic Syndromes, Hereditary; Hereditary neoplastic syndrome; Hereditary Cancer Syndrome. Identifiers: Orphanet 140162, MedGen C0027672, MeSH D009386, MONDO:0015356.

Submission:

Ambry Genetics
Classification: Uncertain significance for Hereditary cancer-predisposing syndrome. Last evaluated: 2025-08-25. Review status: criteria provided, single submitter. Criteria: Ambry Variant Classification Scheme 2023. Collection method: clinical testing. Allele origin: germline.
Comment: The p.T670A variant (also known as c.2008A>G), located in coding exon 14 of the MSH3 gene, results from an A to G substitution at nucleotide position 2008. The threonine at codon 670 is replaced by alanine, an amino acid with similar properties. This amino acid position is conserved. In addition, this alteration is predicted to be tolerated by in silico analysis. Based on the available evidence, the clinical significance of this variant remains unclear.

NM_002439.5(MSH3):c.2008A>G (p.Thr670Ala)

Gene: MSH3 (mutS homolog 3; plus strand). Cytogenetic location: 5q14.1.
Variant type: single nucleotide variant.
Coding change: c.2008A>G on transcript NM_002439.5 (MANE Select); coding-DNA position 2008, A replaced by G.
Protein change: p.Thr670Ala; replaces threonine 670 with alanine.
Molecular consequence: missense variant.
Genome position (GRCh38, 1-based): chr5:80,768,044, A>G. VCF-style: chr5-80768044-A-G. GRCh37 (hg19) VCF-style: chr5-80063863-A-G.
Other names: short protein forms T670A.
Identifiers: ClinVar variation 4111116 (VCV004111116.1).